The following is an entry in ClinVar:

ClinVar aggregate classification (germline): Uncertain significance. Review status: criteria provided, single submitter (1 of 4 stars). 2 submissions from 2 submitters: Uncertain significance (1). 1 of the submissions does not count toward it. Last evaluated 2022-03-19.

Conditions:
MHC class II deficiency. Also called: BLS, TYPE II; Bare lymphocyte syndrome 2. Identifiers: Orphanet 572, MedGen C5447452, MONDO:0008855.

gnomAD v4.1: 4 of 1,613,020 alleles (0.00025%); highest among the groups gnomAD compares: East Asian, 0.0022%; no homozygotes.

Submissions (2):

Labcorp Genetics (formerly Invitae), Labcorp
Classification: Uncertain significance for MHC class II deficiency. Last evaluated: 2022-03-19. Review status: criteria provided, single submitter. Criteria: Invitae Variant Classification Sherloc (09022015). Collection method: clinical testing. Allele origin: germline.
Comment: This sequence change falls in intron 2 of the CIITA gene. It does not directly change the encoded amino acid sequence of the CIITA protein. It affects a nucleotide within the consensus splice site. This variant is present in population databases (rs778670190, gnomAD 0.01%). This variant has not been reported in the literature in individuals affected with CIITA-related conditions. ClinVar contains an entry for this variant (Variation ID: 1045259). Variants that disrupt the consensus splice site are a relatively common cause of aberrant splicing (PMID: 17576681, 9536098). Algorithms developed to predict the effect of sequence changes on RNA splicing suggest that this variant is not likely to affect RNA splicing. In summary, the available evidence is currently insufficient to determine the role of this variant in disease. Therefore, it has been classified as a Variant of Uncertain Significance.

Natera, Inc.
Classification: Uncertain significance for Bare lymphocyte syndrome type II. Last evaluated: 2020-09-16. Review status: no assertion criteria provided. Collection method: clinical testing. Allele origin: germline. Not counted in ClinVar's aggregate classification.

Literature cited by the submitters: PubMed 17576681 (cited by Labcorp Genetics (formerly Invitae), Labcorp); PubMed 9536098 (cited by Labcorp Genetics (formerly Invitae), Labcorp).

NM_000246.4(CIITA):c.199+6C>T

Gene: CIITA (class II major histocompatibility complex transactivator; plus strand). Cytogenetic location: 16p13.13.
Variant type: single nucleotide variant.
Coding change: c.199+6C>T on transcript NM_000246.4 (MANE Select); 6 bases into the intron after coding-DNA position 199, C replaced by T.
Molecular consequence: intron variant.
Genome position (GRCh38, 1-based): chr16:10,895,434, C>T. VCF-style: chr16-10895434-C-T. GRCh37 (hg19) VCF-style: chr16-10989291-C-T.
Other names: c.199+6C>T (NM_001286402.1, NM_001379332.1, NM_001379330.1 and 3 more transcripts); c.127+6C>T (NM_001379334.1).
Identifiers: ClinVar variation 1045259 (VCV001045259.6), dbSNP rs778670190, ClinGen allele CA7899599.